The following is an entry in ClinVar:

NM_032444.4(SLX4):c.3783G>A (p.Pro1261=)

Gene: SLX4 (SLX4 structure-specific endonuclease subunit; minus strand). Cytogenetic location: 16p13.3.
Variant type: single nucleotide variant.
Coding change: c.3783G>A on transcript NM_032444.4 (MANE Select); coding-DNA position 3783, G replaced by A.
Protein change: p.Pro1261=; no amino-acid change (proline 1261 retained).
Molecular consequence: synonymous variant.
Genome position (GRCh38, 1-based): chr16:3,589,855, C>T on the plus strand (G>A on the coding strand, the complement: SLX4 is on the minus strand). VCF-style: chr16-3589855-C-T. GRCh37 (hg19) VCF-style: chr16-3639856-C-T.
Other names: c.3783G>A (LRG_503t1, NM_032444.3).
Identifiers: ClinVar variation 262049 (VCV000262049.29), dbSNP rs77699867, ClinGen allele CA7865833.

ClinVar aggregate classification (germline): Benign. Review status: criteria provided, multiple submitters, no conflicts (2 of 4 stars). 8 submissions from 8 submitters: Benign (7). 1 of the submissions does not count toward it. Last evaluated 2026-02-03.

Conditions:
Fanconi anemia complementation group P. Also called: SLX4-Related Fanconi Anemia. Identifiers: Orphanet 84, MedGen C3469542, MONDO:0013499, OMIM 613951.
Fanconi anemia (FA). Also called: Fanconi's anemia. Identifiers: Orphanet 84, MedGen C0015625, MeSH D005199, MONDO:0019391.

Allele frequency attached by ClinVar (database versions not stated): gnomAD exomes 0.00745; ExAC 0.00900; ESP Exome Variant Server 0.02094; gnomAD 0.02141 and 0.02290; 1000 Genomes Project 0.02196; TOPMed 0.02271; 1000 Genomes Project 30x 0.02280.
gnomAD v4.1: 8,896 of 1,612,906 alleles (0.55%); highest among the groups gnomAD compares: African/African-American, 6.7%; 221 homozygotes.

Submissions (8):

Labcorp Genetics (formerly Invitae), Labcorp
Classification: Benign for Fanconi anemia. Last evaluated: 2026-02-03. Review status: criteria provided, single submitter. Criteria: Invitae Variant Classification Sherloc (09022015). Collection method: clinical testing. Allele origin: germline.

ARUP Laboratories, Molecular Genetics and Genomics, ARUP Laboratories
Classification: Benign for Fanconi anemia complementation group P. Last evaluated: 2024-10-10. Review status: criteria provided, single submitter. Criteria: ARUP Molecular Germline Variant Investigation Process 2024. Collection method: clinical testing. Allele origin: germline.

KCCC/NGS Laboratory, Kuwait Cancer Control Center
Classification: Benign for Fanconi anemia complementation group P. Last evaluated: 2023-07-07. Review status: criteria provided, single submitter. Criteria: ACMG Guidelines, 2015. Collection method: clinical testing. Allele origin: germline. Affected: yes.

GeneDx
Classification: Benign. Last evaluated: 2019-04-16. Review status: criteria provided, single submitter. Criteria: GeneDx Variant Classification Process June 2021. Collection method: clinical testing. Allele origin: germline. Affected: yes.

Illumina Laboratory Services, Illumina
Classification: Benign for Fanconi anemia complementation group P. Last evaluated: 2018-01-12. Review status: criteria provided, single submitter. Criteria: ICSL Variant Classification Criteria 13 December 2019. Collection method: clinical testing. Allele origin: germline.
Comment: This variant was observed in the ICSL laboratory as part of a predisposition screen in an ostensibly healthy population. It had not been previously curated by ICSL or reported in the Human Gene Mutation Database (HGMD: prior to June 1st, 2018), and was therefore a candidate for classification through an automated scoring system. Utilizing variant allele frequency, disease prevalence and penetrance estimates, and inheritance mode, an automated score was calculated to assess if this variant is too frequent to cause the disease. Based on the score and internal cut-off values, a variant classified as benign is not then subjected to further curation. The score for this variant resulted in a classification of benign for this disease.

Breakthrough Genomics
Classification: Benign. Review status: criteria provided, single submitter. Criteria: ACMG Guidelines, 2015. Collection method: not provided. Allele origin: germline. Inheritance: Autosomal recessive inheritance. Affected: yes.

PreventionGenetics, part of Exact Sciences
Classification: Benign. Review status: criteria provided, single submitter. Criteria: ACMG Guidelines, 2015. Collection method: clinical testing. Allele origin: germline.

Leiden Open Variation Database
Classification: Likely benign. Last evaluated: 2012-08-31. Review status: no assertion criteria provided. Collection method: curation. Allele origin: germline. Affected: yes. Not counted in ClinVar's aggregate classification.
Comment: Curator: Arleen D. Auerbach. Submitter to LOVD: Janine Bakker.

Literature cited by the submitters: PubMed 22911665 (cited by Leiden Open Variation Database).